The following is an entry in ClinVar:

NM_198576.4(AGRN):c.90A>G (p.Thr30=)

Gene: AGRN (agrin; plus strand). Cytogenetic location: 1p36.33.
Variant type: single nucleotide variant.
Coding change: c.90A>G on transcript NM_198576.4 (MANE Select); coding-DNA position 90, A replaced by G.
Protein change: p.Thr30=; no amino-acid change (threonine 30 retained).
Molecular consequence: synonymous variant.
Genome position (GRCh38, 1-based): chr1:1,020,262, A>G. VCF-style: chr1-1020262-A-G. GRCh37 (hg19) VCF-style: chr1-955642-A-G.
Other names: c.90A>G, p.Thr30= (NM_001305275.2).
Identifiers: ClinVar variation 3233586 (VCV003233586.2), dbSNP rs1644366175, ClinGen allele CA415349673.

ClinVar aggregate classification (germline): Likely benign (1 of 4 stars; one submission).

Allele frequency attached by ClinVar (database versions not stated): gnomAD 0.00001.

Submission:

Women's Health and Genetics/Laboratory Corporation of America, LabCorp
Classification: Likely benign. Last evaluated: 2024-03-07. Review status: criteria provided, single submitter. Criteria: LabCorp Variant Classification Summary - May 2015. Collection method: clinical testing. Allele origin: germline.
Comment: Variant summary: AGRN c.90A>G alters a conserved nucleotide resulting in a synonymous change. Consensus agreement among computation tools predict no significant impact on normal splicing. However, these predictions have yet to be confirmed by functional studies. The variant was absent in 83836 control chromosomes. The available data on variant occurrences in the general population are insufficient to allow any conclusion about variant significance. To our knowledge, no occurrence of c.90A>G in individuals affected with Congenital Myasthenic Syndrome-8 and no experimental evidence demonstrating its impact on protein function have been reported. No submitters have cited clinical-significance assessments for this variant to ClinVar. Based on the evidence outlined above, the variant was classified as likely benign.